The following is an entry in ClinVar:

ClinVar aggregate classification (germline): Uncertain significance. Review status: criteria provided, multiple submitters, no conflicts (2 of 4 stars). 4 submissions from 4 submitters: Uncertain significance (4). Last evaluated 2024-10-23.

Conditions:
Developmental and epileptic encephalopathy, 1 (DEE1). Also called: Epileptic encephalopathy, early infantile, 1; INFANTILE SPASM SYNDROME, X-LINKED 1; X-linked infantile spasms; West's syndrome; Tonic spasms with clustering, arrest of psychomotor development and hypsarrhythmia on EEG; X-Linked Infantile Spasm Syndrome. Identifiers: MedGen C3463992, MONDO:0010632, OMIM 308350. Disease mechanism: loss of function.
Autosomal recessive spinocerebellar ataxia 12. Also called: SPINOCEREBELLAR ATAXIA WITH MENTAL RETARDATION AND EPILEPSY. Identifiers: Orphanet 284282, MedGen C3280452, MONDO:0013687, OMIM 614322.
Inborn genetic diseases. Identifiers: MedGen C0950123, MeSH D030342.
Malignant tumor of esophagus. Also called: Esophageal cancer; Esophageal cancer, somatic. Identifiers: Orphanet 99977, MedGen C0546837, MONDO:0007576, OMIM 133239.
Developmental and epileptic encephalopathy, 28 (DEE28). Also called: Epileptic encephalopathy, early infantile, 28. Identifiers: Orphanet 442835, MedGen C4015519, MONDO:0014533, OMIM 616211.

Allele frequency attached by ClinVar (database versions not stated): gnomAD 0.00001; TOPMed 0.00002; 1000 Genomes Project 30x 0.00016.
gnomAD v4.1: 46 of 1,581,882 alleles (0.0029%); highest among the groups gnomAD compares: Non-Finnish European, 0.0036%; no homozygotes.

Submissions (4):

Labcorp Genetics (formerly Invitae), Labcorp
Classification: Uncertain significance for Developmental and epileptic encephalopathy, 1; Autosomal recessive spinocerebellar ataxia 12. Last evaluated: 2024-10-23. Review status: criteria provided, single submitter. Criteria: Invitae Variant Classification Sherloc (09022015). Collection method: clinical testing. Allele origin: germline.
Comment: This sequence change replaces proline, which is neutral and non-polar, with leucine, which is neutral and non-polar, at codon 20 of the WWOX protein (p.Pro20Leu). The frequency data for this variant in the population databases is considered unreliable, as metrics indicate poor data quality at this position in the gnomAD database. This variant has not been reported in the literature in individuals affected with WWOX-related conditions. ClinVar contains an entry for this variant (Variation ID: 849697). An algorithm developed to predict the effect of missense changes on protein structure and function outputs the following: PolyPhen-2: "Possibly Damaging". The leucine amino acid residue is found in multiple mammalian species, which suggests that this missense change does not adversely affect protein function. In summary, the available evidence is currently insufficient to determine the role of this variant in disease. Therefore, it has been classified as a Variant of Uncertain Significance.

Revvity Omics, Revvity
Classification: Uncertain significance. Last evaluated: 2022-06-25. Review status: criteria provided, single submitter. Criteria: ACMG Guidelines, 2015. Collection method: clinical testing. Allele origin: germline.

Fulgent Genetics
Classification: Uncertain significance for Malignant tumor of esophagus; Autosomal recessive spinocerebellar ataxia 12; Developmental and epileptic encephalopathy, 28. Last evaluated: 2022-01-16. Review status: criteria provided, single submitter. Criteria: ACMG Guidelines, 2015. Collection method: clinical testing. Allele origin: unknown.

Ambry Genetics
Classification: Uncertain significance for Inborn genetic diseases. Last evaluated: 2021-07-15. Review status: criteria provided, single submitter. Criteria: Ambry Variant Classification Scheme 2023. Collection method: clinical testing. Allele origin: germline.

NM_016373.4(WWOX):c.59C>T (p.Pro20Leu)

Gene: WWOX (WW domain containing oxidoreductase; plus strand). Cytogenetic location: 16q23.1.
Variant type: single nucleotide variant.
Coding change: c.59C>T on transcript NM_016373.4 (MANE Select); coding-DNA position 59, C replaced by T.
Protein change: p.Pro20Leu; replaces proline 20 with leucine.
Molecular consequence: missense variant. On other transcripts: 5 prime UTR variant (1), non-coding transcript variant (2).
Genome position (GRCh38, 1-based): chr16:78,099,837, C>T. VCF-style: chr16-78099837-C-T. GRCh37 (hg19) VCF-style: chr16-78133734-C-T.
Other names: c.59C>T (NM_016373.2); c.-216C>T (NM_001291997.2); c.59C>T, p.Pro20Leu (NM_130791.5); short protein forms P20L.
Identifiers: ClinVar variation 849697 (VCV000849697.12), dbSNP rs761638116, ClinGen allele CA284502483.